The following is an entry in ClinVar:

Conditions:
Breast-ovarian cancer, familial, susceptibility to, 1 (BROVCA1). Also called: BRCA1 Hereditary Breast and Ovarian Cancer; OVARIAN CANCER, SUSCEPTIBILITY TO. Identifiers: Orphanet 145, MedGen C2676676, MONDO:0011450, OMIM 604370. Disease mechanism: loss of function.

Submission:

Brotman Baty Institute, University of Washington
No classification provided (evidence only). Condition: Breast-ovarian cancer, familial 1. Review status: no classification provided. Collection method: in vitro. Allele origin: not applicable. Functional consequence: functionally_normal.
ClinVar note: "not provided" was previously submitted as the classification for the variant. However, the classification appeared to be based only on an observation of functional data so it was converted to no classification on 2025-07-30.

NM_007294.4(BRCA1):c.4986T>G (p.Phe1662Leu)

Gene: BRCA1 (BRCA1 DNA repair associated; minus strand). Cytogenetic location: 17q21.31.
Variant type: single nucleotide variant.
Coding change: c.4986T>G on transcript NM_007294.4 (MANE Select); coding-DNA position 4986, T replaced by G.
Protein change: p.Phe1662Leu; replaces phenylalanine 1662 with leucine.
Molecular consequence: missense variant. On other transcripts: non-coding transcript variant (1).
Genome position (GRCh38, 1-based): chr17:43,070,928, A>C on the plus strand (T>G on the coding strand, the complement: BRCA1 is on the minus strand). VCF-style: chr17-43070928-A-C. GRCh37 (hg19) VCF-style: chr17-41222945-A-C.
Other names: c.4773T>G, p.Phe1591Leu (NM_001407571.1, NM_001407898.1, NM_001407899.1 and 12 more transcripts); c.5052T>G, p.Phe1684Leu (NM_001407581.1, NM_001407582.1); c.5049T>G, p.Phe1683Leu (NM_001407583.1, NM_001407585.1, NM_001407587.1 and 1 more transcripts); c.5046T>G, p.Phe1682Leu (NM_001407590.1, NM_001407591.1); c.4986T>G, p.Phe1662Leu (NM_001407593.1, NM_001407594.1, NM_001407596.1 and 8 more transcripts); c.4983T>G, p.Phe1661Leu (NM_001407610.1, NM_001407611.1, NM_001407612.1 and 17 more transcripts); c.4980T>G, p.Phe1660Leu (NM_001407627.1, NM_001407628.1, NM_001407629.1 and 14 more transcripts); c.4971T>G, p.Phe1657Leu (NM_001407647.1); and 70 more; short protein forms F558L, F1615L, F1662L, F1683L, F1366L, F1508L, F1550L, F1591L.
Identifiers: ClinVar variation 868084 (VCV000868084.3), dbSNP rs2052353460, ClinGen allele CA10591551.